The following is an entry in ClinVar:

ClinVar aggregate classification (germline): Benign. Review status: criteria provided, multiple submitters, no conflicts (2 of 4 stars). 2 submissions from 2 submitters: Benign (2). Last evaluated 2020-10-28.

Allele frequency attached by ClinVar (database versions not stated): ESP Exome Variant Server 0.00915; gnomAD 0.01130 and 0.01196; ExAC 0.01395; gnomAD exomes 0.01581; TOPMed 0.01653; 1000 Genomes Project 30x 0.02655; 1000 Genomes Project 0.02756.
gnomAD v4.1: 8,565 of 1,614,198 alleles (0.53%); highest among the groups gnomAD compares: Admixed American, 6.7%; 248 homozygotes.

Submissions (2):

GeneDx
Classification: Benign. Last evaluated: 2020-10-28. Review status: criteria provided, single submitter. Criteria: GeneDx Variant Classification Process June 2021. Collection method: clinical testing. Allele origin: germline. Affected: yes.
Comment: This variant is associated with the following publications: (PMID: 30924900)

Breakthrough Genomics
Classification: Benign. Review status: criteria provided, single submitter. Criteria: ACMG Guidelines, 2015. Collection method: not provided. Allele origin: germline. Inheritance: Unknown mechanism. Affected: yes.

NM_015198.5(COBL):c.1963G>C (p.Ala655Pro)

Gene: COBL (cordon-bleu WH2 repeat protein; minus strand). Cytogenetic location: 7p12.1.
Variant type: single nucleotide variant.
Coding change: c.1963G>C on transcript NM_015198.5 (MANE Select); coding-DNA position 1963, G replaced by C.
Protein change: p.Ala655Pro; replaces alanine 655 with proline.
Molecular consequence: missense variant.
Genome position (GRCh38, 1-based): chr7:51,029,133, C>G on the plus strand (G>C on the coding strand, the complement: COBL is on the minus strand). VCF-style: chr7-51029133-C-G. GRCh37 (hg19) VCF-style: chr7-51096830-C-G.
Other names: c.2134G>C, p.Ala712Pro (NM_001287436.3, NM_001346441.2); c.1963G>C, p.Ala655Pro (NM_001346442.2, NM_001346443.2); short protein forms A655P, A712P.
Identifiers: ClinVar variation 1273872 (VCV001273872.2), dbSNP rs112568753, ClinGen allele CA4263656.